The following is an entry in ClinVar:

NM_001613.4(ACTA2):c.1121G>A (p.Arg374His)

Genes: ACTA2-AS1 (ACTA2 antisense RNA 1; plus strand), ACTA2 (actin alpha 2, smooth muscle; minus strand). Cytogenetic location: 10q23.31.
Variant type: single nucleotide variant.
Coding change: c.1121G>A on transcript NM_001613.4 (MANE Select); coding-DNA position 1121, G replaced by A.
Protein change: p.Arg374His; replaces arginine 374 with histidine.
Molecular consequence: missense variant. On other transcripts: non-coding transcript variant (1).
Genome position (GRCh38, 1-based): chr10:88,935,236, C>T on the plus strand (G>A on the coding strand, the complement: ACTA2 is on the minus strand). VCF-style: chr10-88935236-C-T. GRCh37 (hg19) VCF-style: chr10-90694993-C-T.
Other names: c.1121G>A, p.Arg374His (NM_001141945.3, NM_001320855.2, NM_001406462.1 and 2 more transcripts); c.1010G>A, p.Arg337His (NM_001406466.1); c.992G>A, p.Arg331His (NM_001406467.1, NM_001406468.1, NM_001406469.1); c.929G>A, p.Arg310His (NM_001406471.1); short protein forms R374H, R310H, R331H, R337H.
Identifiers: ClinVar variation 1310808 (VCV001310808.9), dbSNP rs1370988055, ClinGen allele CA377510345.

ClinVar aggregate classification (germline): Uncertain significance. Review status: criteria provided, multiple submitters, no conflicts (2 of 4 stars). 3 submissions from 3 submitters: Uncertain significance (3). Last evaluated 2025-10-11.

Conditions:
Familial thoracic aortic aneurysm and aortic dissection (TAAD). Also called: Thoracic aortic aneurysms and dissections. Identifiers: Orphanet 91387, MedGen C4707243, MONDO:0019625.
Aortic aneurysm, familial thoracic 6 (AAT6). Also called: FAMILIAL THORACIC AORTIC ANEURYSM WITH LIVEDO RETICULARIS AND IRIS FLOCCULI. Identifiers: MedGen C2673186, MONDO:0012730, OMIM 611788.

Allele frequency attached by ClinVar (database versions not stated): gnomAD exomes below 0.00001 and 0.00001.

Submissions (3):

GeneDx
Classification: Uncertain significance. Last evaluated: 2025-10-11. Review status: criteria provided, single submitter. Criteria: GeneDx Variant Classification Process June 2021. Collection method: clinical testing. Allele origin: germline. Affected: yes.
Comment: Has not been previously published as pathogenic or benign to our knowledge; Not observed at significant frequency in large population cohorts (gnomAD); In silico analysis suggests that this missense variant does not alter protein structure/function

All of Us Research Program, National Institutes of Health
Classification: Uncertain significance for Familial thoracic aortic aneurysm and aortic dissection. Last evaluated: 2024-02-05. Review status: criteria provided, single submitter. Criteria: ACMG Guidelines, 2015. Collection method: clinical testing. Allele origin: germline. Inheritance: Autosomal dominant inheritance. Observed: 1 variant allele, 1 heterozygote.
Comment: This missense variant replaces arginine with histidine at codon 374 of the ACTA2 protein. Computational prediction suggests that this variant may have deleterious impact on protein structure and function (internally defined REVEL score threshold >= 0.7, PMID: 27666373). To our knowledge, functional studies have not been reported for this variant. This variant has not been reported in individuals affected with ACTA2-related disorders in the literature. This variant has been identified in 1/251242 chromosomes in the general population by the Genome Aggregation Database (gnomAD). The available evidence is insufficient to determine the role of this variant in disease conclusively. Therefore, this variant is classified as a Variant of Uncertain Significance.

This study involves interpretation of variants in research participants for the purpose of population health screening. Participant phenotype was not available at the time of variant classification. Additional details can be found in publication PMID: 35346344, PMCID: PMC8962531

Labcorp Genetics (formerly Invitae), Labcorp
Classification: Uncertain significance for Aortic aneurysm, familial thoracic 6. Last evaluated: 2023-09-17. Review status: criteria provided, single submitter. Criteria: Invitae Variant Classification Sherloc (09022015). Collection method: clinical testing. Allele origin: germline.
Comment: This sequence change replaces arginine, which is basic and polar, with histidine, which is basic and polar, at codon 374 of the ACTA2 protein (p.Arg374His). The frequency data for this variant in the population databases is considered unreliable, as metrics indicate poor data quality at this position in the gnomAD database. This variant has not been reported in the literature in individuals affected with ACTA2-related conditions. ClinVar contains an entry for this variant (Variation ID: 1310808). Advanced modeling of protein sequence and biophysical properties (such as structural, functional, and spatial information, amino acid conservation, physicochemical variation, residue mobility, and thermodynamic stability) performed at Invitae indicates that this missense variant is not expected to disrupt ACTA2 protein function. In summary, the available evidence is currently insufficient to determine the role of this variant in disease. Therefore, it has been classified as a Variant of Uncertain Significance.